The following is an entry in ClinVar:

NM_000196.4(HSD11B2):c.577T>G (p.Phe193Val)

Gene: HSD11B2 (hydroxysteroid 11-beta dehydrogenase 2; plus strand). Cytogenetic location: 16q22.1.
Variant type: single nucleotide variant.
Coding change: c.577T>G on transcript NM_000196.4 (MANE Select); coding-DNA position 577, T replaced by G.
Protein change: p.Phe193Val; replaces phenylalanine 193 with valine.
Molecular consequence: missense variant.
Genome position (GRCh38, 1-based): chr16:67,436,055, T>G. VCF-style: chr16-67436055-T-G. GRCh37 (hg19) VCF-style: chr16-67469958-T-G.
Other names: short protein forms F193V.
Identifiers: ClinVar variation 3338049 (VCV003338049.2).

ClinVar aggregate classification (germline): Uncertain significance (1 of 4 stars; one submission).

Conditions:
Apparent mineralocorticoid excess (AME). Also called: CORTISOL 11-BETA-KETOREDUCTASE DEFICIENCY. Identifiers: Orphanet 320, MedGen C0342488, MONDO:0009025, OMIM 218030.

Submission:

Department of Paediatric Medicine, Post Graduation Institute of Medical Education and Research
Classification: Uncertain significance for Apparent mineralocorticoid excess. Last evaluated: 2024-08-23. Review status: criteria provided, single submitter. Criteria: ACMG Guidelines, 2015. Collection method: clinical testing. Allele origin: inherited. Inheritance: Autosomal recessive inheritance. Affected: yes. Observed: 1 variant allele, 1 homozygote.
Comment: This variant is not reported in 1000G and GnomAD. Insilico predictions are showing it damaging by SIFT and LRT. The reference codon is conserved in different species. Phenotype is matching with the gene. Parental segregation analysis has been done.